The following is an entry in ClinVar:

NM_003105.6(SORL1):c.6215C>T (p.Ala2072Val)

Gene: SORL1 (sortilin related receptor 1; plus strand). Cytogenetic location: 11q24.1.
Variant type: single nucleotide variant.
Coding change: c.6215C>T on transcript NM_003105.6 (MANE Select); coding-DNA position 6215, C replaced by T.
Protein change: p.Ala2072Val; replaces alanine 2072 with valine.
Molecular consequence: missense variant.
Genome position (GRCh38, 1-based): chr11:121,625,128, C>T. VCF-style: chr11-121625128-C-T. GRCh37 (hg19) VCF-style: chr11-121495837-C-T.
Other names: c.6215C>T (NM_003105.5); short protein forms A2072V.
Identifiers: ClinVar variation 2907650 (VCV002907650.4), dbSNP rs376084159, ClinGen allele CA6330217.

ClinVar aggregate classification (germline): Uncertain significance. Review status: criteria provided, multiple submitters, no conflicts (2 of 4 stars). 2 submissions from 2 submitters: Uncertain significance (2). Last evaluated 2025-05-04.

Allele frequency attached by ClinVar (database versions not stated): ExAC 0.00002; TOPMed 0.00002; gnomAD 0.00003; gnomAD exomes 0.00006; ESP Exome Variant Server 0.00008.
gnomAD v4.1: 94 of 1,613,238 alleles (0.0058%); highest among the groups gnomAD compares: Non-Finnish European, 0.0075%; no homozygotes.

Submissions (2):

Ambry Genetics
Classification: Uncertain significance. Last evaluated: 2025-05-04. Review status: criteria provided, single submitter. Criteria: Ambry Variant Classification Scheme 2023. Collection method: clinical testing. Allele origin: germline.

Labcorp Genetics (formerly Invitae), Labcorp
Classification: Uncertain significance. Last evaluated: 2023-12-14. Review status: criteria provided, single submitter. Criteria: Invitae Variant Classification Sherloc (09022015). Collection method: clinical testing. Allele origin: germline.
Comment: This sequence change replaces alanine, which is neutral and non-polar, with valine, which is neutral and non-polar, at codon 2072 of the SORL1 protein (p.Ala2072Val). This variant is present in population databases (rs376084159, gnomAD 0.004%). This variant has not been reported in the literature in individuals affected with SORL1-related conditions. Algorithms developed to predict the effect of missense changes on protein structure and function output the following: SIFT: "Not Available"; PolyPhen-2: "Benign"; Align-GVGD: "Not Available". The valine amino acid residue is found in multiple mammalian species, which suggests that this missense change does not adversely affect protein function. In summary, the available evidence is currently insufficient to determine the role of this variant in disease. Therefore, it has been classified as a Variant of Uncertain Significance.